The following is an entry in ClinVar:

NM_006612.6(KIF1C):c.992A>G (p.Asn331Ser)

Genes: KIF1C (kinesin family member 1C; plus strand), LOC126862472 (CDK7 strongly-dependent group 2 enhancer GRCh37_chr17:4906716-4907915; plus strand). Cytogenetic location: 17p13.2.
Variant type: single nucleotide variant.
Coding change: c.992A>G on transcript NM_006612.6 (MANE Select); coding-DNA position 992, A replaced by G.
Protein change: p.Asn331Ser; replaces asparagine 331 with serine.
Molecular consequence: missense variant.
Genome position (GRCh38, 1-based): chr17:5,004,618, A>G. VCF-style: chr17-5004618-A-G. GRCh37 (hg19) VCF-style: chr17-4907913-A-G.
Other names: short protein forms N331S.
Identifiers: ClinVar variation 2042060 (VCV002042060.4), dbSNP rs767357962, ClinGen allele CA8318824.
Genomic context (GRCh38, chr17:5,004,618, plus strand): 5'-CATTCACAGGGGGGAACTCACGCACAGCCATGATTGCAGCCCTGAGCCCTGCTGACATCA[A>G]TTACGAGGAGACTCTCAGCACCCTCAGGTGAGGCTTTTGGCTCTAGCAGGGATGGGGCAG-3'
Protein context (NP_006603.2, residues 321-341): MIAALSPADI[Asn331Ser]YEETLSTLRY

ClinVar aggregate classification (germline): Uncertain significance (1 of 4 stars; one submission).

Conditions:
Spastic ataxia 2. Also called: Ataxia, spastic, 2, autosomal recessive. Identifiers: Orphanet 397946, MedGen C1969796, MONDO:0012651, OMIM 611302.

Allele frequency attached by ClinVar (database versions not stated): gnomAD 0.00001; ExAC 0.00001; 1000 Genomes Project 30x 0.00031; gnomAD exomes 0.00001.
gnomAD v4.1: 6 of 1,614,174 alleles (0.00037%); highest among the groups gnomAD compares: South Asian, 0.0066%; no homozygotes.

Submission:

Labcorp Genetics (formerly Invitae), Labcorp
Classification: Uncertain significance for Spastic ataxia 2. Last evaluated: 2022-03-27. Review status: criteria provided, single submitter. Criteria: Invitae Variant Classification Sherloc (09022015). Collection method: clinical testing. Allele origin: germline.
Comment: In summary, the available evidence is currently insufficient to determine the role of this variant in disease. Therefore, it has been classified as a Variant of Uncertain Significance. Algorithms developed to predict the effect of missense changes on protein structure and function (SIFT, PolyPhen-2, Align-GVGD) all suggest that this variant is likely to be tolerated. This variant has not been reported in the literature in individuals affected with KIF1C-related conditions. This variant is present in population databases (rs767357962, gnomAD 0.003%). This sequence change replaces asparagine, which is neutral and polar, with serine, which is neutral and polar, at codon 331 of the KIF1C protein (p.Asn331Ser).